The following is an entry in ClinVar:

NM_000038.6(APC):c.8477G>T (p.Ser2826Ile)

Gene: APC (APC regulator of Wnt signaling pathway; plus strand). Cytogenetic location: 5q22.2.
Variant type: single nucleotide variant.
Coding change: c.8477G>T on transcript NM_000038.6 (MANE Select); coding-DNA position 8477, G replaced by T.
Protein change: p.Ser2826Ile; replaces serine 2826 with isoleucine.
Molecular consequence: missense variant. On other transcripts: non-coding transcript variant (2).
Genome position (GRCh38, 1-based): chr5:112,844,071, G>T. VCF-style: chr5-112844071-G-T. GRCh37 (hg19) VCF-style: chr5-112179768-G-T.
Other names: c.8477G>T, p.Ser2826Ile (NM_001407450.1, NM_001127510.3, NM_001354895.2); c.8456G>T, p.Ser2819Ile (NM_001407451.1); c.8447G>T, p.Ser2816Ile (NM_001407452.1); c.8300G>T, p.Ser2767Ile (NM_001407453.1, NM_001354901.2); c.8228G>T, p.Ser2743Ile (NM_001407454.1, NM_001407455.1, NM_001407456.1 and 1 more transcripts); c.8174G>T, p.Ser2725Ile (NM_001407458.1, NM_001407459.1, NM_001407460.1 and 1 more transcripts); c.8090G>T, p.Ser2697Ile (NM_001407467.1, NM_001407469.1); c.7628G>T, p.Ser2543Ile (NM_001407470.1, NM_001354906.2); and 11 more; short protein forms S2442I, S2543I, S2700I, S2767I, S2785I, S2798I, S2854I, S2725I.
Identifiers: ClinVar variation 4827297 (VCV004827297.1).

ClinVar aggregate classification (germline): Uncertain significance (1 of 4 stars; one submission).

Conditions:
Hereditary cancer-predisposing syndrome. Also called: Neoplastic Syndromes, Hereditary; Tumor predisposition; Hereditary Cancer Syndrome; Hereditary neoplastic syndrome. Identifiers: Orphanet 140162, MedGen C0027672, MeSH D009386, MONDO:0015356.

Submission:

Ambry Genetics
Classification: Uncertain significance for Hereditary cancer-predisposing syndrome. Last evaluated: 2026-03-02. Review status: criteria provided, single submitter. Criteria: Ambry Variant Classification Scheme 2023. Collection method: clinical testing. Allele origin: germline.
Comment: The p.S2826I variant (also known as c.8477G>T), located in coding exon 15 of the APC gene, results from a G to T substitution at nucleotide position 8477. The serine at codon 2826 is replaced by isoleucine, an amino acid with dissimilar properties. This amino acid position is conserved. In addition, in silico predictors for this gene do not accurately predict pathogenicity. Based on the available evidence, the clinical significance of this variant remains unclear.